The following is an entry in ClinVar:

NM_002334.4(LRP4):c.461G>A (p.Arg154His)

Gene: LRP4 (LDL receptor related protein 4; minus strand). Cytogenetic location: 11p11.2.
Variant type: single nucleotide variant.
Coding change: c.461G>A on transcript NM_002334.4 (MANE Select); coding-DNA position 461, G replaced by A.
Protein change: p.Arg154His; replaces arginine 154 with histidine.
Molecular consequence: missense variant.
Genome position (GRCh38, 1-based): chr11:46,899,473, C>T on the plus strand (G>A on the coding strand, the complement: LRP4 is on the minus strand). VCF-style: chr11-46899473-C-T. GRCh37 (hg19) VCF-style: chr11-46921024-C-T.
Other names: short protein forms R154H.
Identifiers: ClinVar variation 1438208 (VCV001438208.7), dbSNP rs748199837, ClinGen allele CA5970487.

ClinVar aggregate classification (germline): Uncertain significance (1 of 4 stars; one submission).

Conditions:
Sclerosteosis 2 (SOST2). Identifiers: Orphanet 3152, MedGen C3280402, MONDO:0013679, OMIM 614305.
Congenital myasthenic syndrome 17. Identifiers: Orphanet 590, MedGen C4225377, MONDO:0014578, OMIM 616304.
Cenani-Lenz syndactyly syndrome. Also called: CENANI SYNDACTYLISM; SYNDACTYLY, TYPE VII. Identifiers: Orphanet 3258, MedGen C1859309, MONDO:0008931, OMIM 212780.

Allele frequency attached by ClinVar (database versions not stated): gnomAD 0.00001 and 0.00002; TOPMed 0.00001; ExAC 0.00002.
gnomAD v4.1: 13 of 1,613,846 alleles (0.00081%); highest among the groups gnomAD compares: South Asian, 0.0022%; no homozygotes.

Submission:

Labcorp Genetics (formerly Invitae), Labcorp
Classification: Uncertain significance for Cenani-Lenz syndactyly syndrome; Sclerosteosis 2; Congenital myasthenic syndrome 17. Last evaluated: 2021-02-04. Review status: criteria provided, single submitter. Criteria: Invitae Variant Classification Sherloc (09022015). Collection method: clinical testing. Allele origin: germline.
Comment: In summary, the available evidence is currently insufficient to determine the role of this variant in disease. Therefore, it has been classified as a Variant of Uncertain Significance. Algorithms developed to predict the effect of missense changes on protein structure and function are either unavailable or do not agree on the potential impact of this missense change (SIFT: "Deleterious"; PolyPhen-2: "Benign"; Align-GVGD: "Class C0"). This variant has not been reported in the literature in individuals with LRP4-related conditions. This variant is present in population databases (rs748199837, ExAC 0.02%). This sequence change replaces arginine with histidine at codon 154 of the LRP4 protein (p.Arg154His). The arginine residue is highly conserved and there is a small physicochemical difference between arginine and histidine.